The following is an entry in ClinVar:

NM_000550.3(TYRP1):c.1261+1G>T

Genes: LURAP1L-AS1 (LURAP1L antisense RNA 1; minus strand), TYRP1 (tyrosinase related protein 1; plus strand). Cytogenetic location: 9p23.
Variant type: single nucleotide variant.
Coding change: c.1261+1G>T on transcript NM_000550.3 (MANE Select); the canonical splice donor site of the intron after coding-DNA position 1261, G replaced by T.
Molecular consequence: splice donor variant.
Genome position (GRCh38, 1-based): chr9:12,704,706, G>T. VCF-style: chr9-12704706-G-T. GRCh37 (hg19) VCF-style: chr9-12704706-G-T.
Identifiers: ClinVar variation 2832367 (VCV002832367.3), dbSNP rs140365820, ClinGen allele CA372943143.

ClinVar aggregate classification (germline): Pathogenic (1 of 4 stars; one submission).

Submission:

Labcorp Genetics (formerly Invitae), Labcorp
Classification: Pathogenic. Last evaluated: 2023-02-13. Review status: criteria provided, single submitter. Criteria: Invitae Variant Classification Sherloc (09022015). Collection method: clinical testing. Allele origin: germline.
Comment: This sequence change affects a donor splice site in intron 6 of the TYRP1 gene. It is expected to disrupt RNA splicing. Variants that disrupt the donor or acceptor splice site typically lead to a loss of protein function (PMID: 16199547), and loss-of-function variants in TYRP1 are known to be pathogenic (PMID: 8651291, 9345097). This variant is not present in population databases (gnomAD no frequency). Disruption of this splice site has been observed in individual(s) with ocular albinism (PMID: 28041643). Algorithms developed to predict the effect of sequence changes on RNA splicing suggest that this variant may disrupt the consensus splice site. For these reasons, this variant has been classified as Pathogenic.

Literature cited by the submitters: PubMed 16199547; PubMed 8651291; PubMed 9345097; PubMed 28041643.